The following is an entry in ClinVar:

ClinVar aggregate classification (germline): Conflicting classifications of pathogenicity. Review status: criteria provided, conflicting classifications (1 of 4 stars). 6 submissions from 6 submitters: Uncertain significance (3); Likely benign (2). 1 of the submissions does not count toward it. Last evaluated 2025-06-12.

Conditions:
Cardiovascular phenotype. Identifiers: MedGen CN230736.
Alstrom syndrome (ALMS). Identifiers: Orphanet 64, MedGen C0268425, MONDO:0008763, OMIM 203800.

Allele frequency attached by ClinVar (database versions not stated): gnomAD 0.00002; TOPMed 0.00006; ExAC 0.00016; gnomAD exomes 0.00019.
gnomAD v4.1: 54 of 1,613,302 alleles (0.0033%); highest among the groups gnomAD compares: Admixed American, 0.087%; 1 homozygote.

Submissions (6):

GeneDx
Classification: Uncertain significance. Last evaluated: 2025-06-12. Review status: criteria provided, single submitter. Criteria: GeneDx Variant Classification Process June 2021. Collection method: clinical testing. Allele origin: germline. Affected: yes.
Comment: In silico analysis suggests that this missense variant does not alter protein structure/function; Has not been previously published as pathogenic or benign to our knowledge

Ambry Genetics
Classification: Likely benign for Cardiovascular phenotype. Last evaluated: 2024-11-04. Review status: criteria provided, single submitter. Criteria: Ambry Variant Classification Scheme 2023. Collection method: clinical testing. Allele origin: germline.

Labcorp Genetics (formerly Invitae), Labcorp
Classification: Uncertain significance for Alstrom syndrome. Last evaluated: 2022-10-13. Review status: criteria provided, single submitter. Criteria: Invitae Variant Classification Sherloc (09022015). Collection method: clinical testing. Allele origin: germline.
Comment: This sequence change replaces proline, which is neutral and non-polar, with serine, which is neutral and polar, at codon 1166 of the ALMS1 protein (p.Pro1166Ser). This variant is present in population databases (rs767103091, gnomAD 0.1%). This variant has not been reported in the literature in individuals affected with ALMS1-related conditions. ClinVar contains an entry for this variant (Variation ID: 844929). Experimental studies and prediction algorithms are not available or were not evaluated, and the functional significance of this variant is currently unknown. In summary, the available evidence is currently insufficient to determine the role of this variant in disease. Therefore, it has been classified as a Variant of Uncertain Significance.

Fulgent Genetics
Classification: Uncertain significance for Alstrom syndrome. Last evaluated: 2021-12-17. Review status: criteria provided, single submitter. Criteria: ACMG Guidelines, 2015. Collection method: clinical testing. Allele origin: unknown.

Blueprint Genetics
Classification: Likely benign. Last evaluated: 2021-10-15. Review status: criteria provided, single submitter. Criteria: ACMG Guidelines, 2015. Collection method: clinical testing. Allele origin: germline.

Natera, Inc.
Classification: Uncertain significance for Alstrom syndrome. Last evaluated: 2020-02-13. Review status: no assertion criteria provided. Collection method: clinical testing. Allele origin: germline. Not counted in ClinVar's aggregate classification.

NM_001378454.1(ALMS1):c.3493C>T (p.Pro1165Ser)

Gene: ALMS1 (ALMS1 centrosome and basal body associated protein; plus strand). Cytogenetic location: 2p13.1.
Variant type: single nucleotide variant.
Coding change: c.3493C>T on transcript NM_001378454.1 (MANE Select); coding-DNA position 3493, C replaced by T.
Protein change: p.Pro1165Ser; replaces proline 1165 with serine.
Molecular consequence: missense variant.
Genome position (GRCh38, 1-based): chr2:73,450,020, C>T. VCF-style: chr2-73450020-C-T. GRCh37 (hg19) VCF-style: chr2-73677147-C-T.
Other names: c.3496C>T, p.Pro1166Ser (NM_015120.4); short protein forms P1166S, P1165S.
Identifiers: ClinVar variation 844929 (VCV000844929.17), dbSNP rs767103091, ClinGen allele CA1713537.